The following is an entry in ClinVar:

ClinVar aggregate classification (germline): Uncertain significance (1 of 4 stars; one submission).

Conditions:
Spastic paraplegia. Identifiers: MedGen C0037772, HP:0001258.

Submission:

Labcorp Genetics (formerly Invitae), Labcorp
Classification: Uncertain significance for Spastic paraplegia. Last evaluated: 2025-01-01. Review status: criteria provided, single submitter. Criteria: Invitae Variant Classification Sherloc (09022015). Collection method: clinical testing. Allele origin: germline.
Comment: This sequence change replaces leucine, which is neutral and non-polar, with phenylalanine, which is neutral and non-polar, at codon 632 of the KIF5A protein (p.Leu632Phe). This variant is not present in population databases (gnomAD no frequency). This variant has not been reported in the literature in individuals affected with KIF5A-related conditions. ClinVar contains an entry for this variant (Variation ID: 2982452). Invitae Evidence Modeling of protein sequence and biophysical properties (such as structural, functional, and spatial information, amino acid conservation, physicochemical variation, residue mobility, and thermodynamic stability) has been performed for this missense variant. However, the output from this modeling did not meet the statistical confidence thresholds required to predict the impact of this variant on KIF5A protein function. In summary, the available evidence is currently insufficient to determine the role of this variant in disease. Therefore, it has been classified as a Variant of Uncertain Significance.

NM_004984.4(KIF5A):c.1894C>T (p.Leu632Phe)

Gene: KIF5A (kinesin family member 5A; plus strand). Cytogenetic location: 12q13.3.
Variant type: single nucleotide variant.
Coding change: c.1894C>T on transcript NM_004984.4 (MANE Select); coding-DNA position 1894, C replaced by T.
Protein change: p.Leu632Phe; replaces leucine 632 with phenylalanine.
Molecular consequence: missense variant.
Genome position (GRCh38, 1-based): chr12:57,575,261, C>T. VCF-style: chr12-57575261-C-T. GRCh37 (hg19) VCF-style: chr12-57969044-C-T.
Other names: c.1627C>T, p.Leu543Phe (NM_001354705.2); short protein forms L543F, L632F.
Identifiers: ClinVar variation 2982452 (VCV002982452.3), dbSNP rs2540508018, ClinGen allele CA385509251.